The following is an entry in ClinVar:

ClinVar aggregate classification (germline): Likely benign (1 of 4 stars; one submission).

Conditions:
Hereditary diffuse gastric adenocarcinoma (HDGC). Also called: DIFFUSE GASTRIC AND LOBULAR BREAST CANCER SYNDROME. Identifiers: Orphanet 26106, MedGen C1708349, MONDO:0007648, OMIM 137215.

Submission:

Myriad Genetics, Inc.
Classification: Likely benign for Hereditary diffuse gastric adenocarcinoma. Last evaluated: 2024-09-13. Review status: criteria provided, single submitter. Criteria: Myriad Autosomal Dominant, Autosomal Recessive and X-Linked Classification Criteria (2023). Collection method: clinical testing. Allele origin: unknown.
Comment: This variant is considered likely benign. This variant is intronic and is not expected to impact mRNA splicing.

NM_004360.5(CDH1):c.532-15del

Gene: CDH1 (cadherin 1; plus strand). Cytogenetic location: 16q22.1.
Variant type: Deletion.
Coding change: c.532-15del on transcript NM_004360.5 (MANE Select); 15 bases into the intron before coding-DNA position 532, one base deleted (T; older notation c.532-15delT).
Molecular consequence: intron variant.
Genome position (GRCh38, 1-based): chr16:68,808,678, T deleted; the last of 3 consecutive T bases (chr16:68,808,676-68,808,678); deleting any one gives the same sequence. VCF-style (leftmost placement, unchanged base first): chr16-68808675-CT-C. GRCh37 (hg19) VCF-style: chr16-68842578-CT-C.
Other names: c.-1084-15del (NM_001317185.2); c.-1288-15del (NM_001317186.2); c.532-15del (NM_001317184.2).
Identifiers: ClinVar variation 3378707 (VCV003378707.1).
Genomic context (GRCh38, chr16:68,808,675, plus strand): 5'-GTACCAAGGAGAGAAAGGGAAAAGACCCAGTGTTGGGATCCTTCTTTACTAATTCTTTTT[CT>C]TTCATTTTGTCTTCAGATCAAATCCAACAAAGACAAAGAAGGCAAGGTTTTCTACAGCAT-3'